The following is an entry in ClinVar:

NM_002693.3(POLG):c.1385C>T (p.Ser462Leu)

Gene: POLG (DNA polymerase gamma, catalytic subunit; minus strand). Cytogenetic location: 15q26.1.
Variant type: single nucleotide variant.
Coding change: c.1385C>T on transcript NM_002693.3 (MANE Select); coding-DNA position 1385, C replaced by T.
Protein change: p.Ser462Leu; replaces serine 462 with leucine.
Molecular consequence: missense variant.
Genome position (GRCh38, 1-based): chr15:89,327,215, G>A on the plus strand (C>T on the coding strand, the complement: POLG is on the minus strand). VCF-style: chr15-89327215-G-A. GRCh37 (hg19) VCF-style: chr15-89870446-G-A.
Other names: p.S462L:TCG>TTG; c.1385C>T, p.Ser462Leu (NM_001126131.2); short protein forms S462L.
Identifiers: ClinVar variation 206595 (VCV000206595.10), dbSNP rs762878459, ClinGen allele CA316832.
Genomic context (GRCh38, chr15:89,327,215, plus strand): 5'-AGGCCTGGCTACCTCTCTCCTGAGAGCAGCTGGCAGGCATCATTGGCCAGATCCATCAAC[G>A]ACTTCTTCATCTCCCGCTGGAGCTCCTCATAAGTGCCCTGTGCCTCTGCCAGGTAACGCT-3'
Protein context (NP_002684.1, residues 452-472): YEELQREMKK[Ser462Leu]LMDLANDACQ

ClinVar aggregate classification (germline): Uncertain significance. Review status: criteria provided, multiple submitters, no conflicts (2 of 4 stars). 2 submissions from 2 submitters: Uncertain significance (2). Last evaluated 2024-02-23.

Conditions:
Progressive sclerosing poliodystrophy (MTDPS4A). Also called: ALPERS DIFFUSE DEGENERATION OF CEREBRAL GRAY MATTER WITH HEPATIC CIRRHOSIS; Alpers-Huttenlocher Syndrome; ALPERS PROGRESSIVE INFANTILE POLIODYSTROPHY; NEURONAL DEGENERATION OF CHILDHOOD WITH LIVER DISEASE, PROGRESSIVE; Mitochondrial DNA Depletion Syndrome 4A; Alpers-Huttenlocher Syndrome (AHS). Identifiers: Orphanet 726, MedGen C0205710, MONDO:0008758, OMIM 203700.

Allele frequency attached by ClinVar (database versions not stated): gnomAD 0.00001 and below 0.00001; TOPMed 0.00001; gnomAD exomes 0.00002; ExAC 0.00001.
gnomAD v4.1: 14 of 1,614,070 alleles (0.00087%); highest among the groups gnomAD compares: Admixed American, 0.0067%; no homozygotes.

Submissions (2):

Labcorp Genetics (formerly Invitae), Labcorp
Classification: Uncertain significance for Progressive sclerosing poliodystrophy. Last evaluated: 2024-02-23. Review status: criteria provided, single submitter. Criteria: Invitae Variant Classification Sherloc (09022015). Collection method: clinical testing. Allele origin: germline.
Comment: This sequence change replaces serine, which is neutral and polar, with leucine, which is neutral and non-polar, at codon 462 of the POLG protein (p.Ser462Leu). This variant is present in population databases (rs762878459, gnomAD 0.01%). This variant has not been reported in the literature in individuals affected with POLG-related conditions. ClinVar contains an entry for this variant (Variation ID: 206595). Advanced modeling of protein sequence and biophysical properties (such as structural, functional, and spatial information, amino acid conservation, physicochemical variation, residue mobility, and thermodynamic stability) has been performed at Invitae for this missense variant, however the output from this modeling did not meet the statistical confidence thresholds required to predict the impact of this variant on POLG protein function. In summary, the available evidence is currently insufficient to determine the role of this variant in disease. Therefore, it has been classified as a Variant of Uncertain Significance.

GeneDx
Classification: Uncertain significance. Last evaluated: 2016-12-05. Review status: criteria provided, single submitter. Criteria: GeneDx Variant Classification (06012015). Collection method: clinical testing. Allele origin: germline. Affected: yes.
Comment: A variant of uncertain significance has been identified in the POLG gene. The S462L variant has not been published as a pathogenic variant, nor has it been reported as a benign variant to our knowledge. The S462L variant is not observed at a significant frequency in large population cohorts (Lek et al., 2016; 1000 Genomes Consortium et al., 2015; Exome Variant Server). The S462L variant is a non-conservative amino acid substitution, which is likely to impact secondary protein structure as these residues differ in polarity, charge, size and/or other properties. This substitution occurs at a position that is conserved in mammals. Missense variants in nearby residues (M464T, A467T) have been reported in the Human Gene Mutation Database in association with POLG-related disorders (Stenson et al., 2014). In silico analysis is inconsistent in its predictions as to whether or not the variant is damaging to the protein structure/function. Based on the currently available information, it is unclear whether this variant is a pathogenic variant or a rare benign variant.